The following is an entry in ClinVar:

ClinVar aggregate classification (germline): Pathogenic (1 of 4 stars; one submission).

Conditions:
Autosomal dominant nonsyndromic hearing loss 11. Identifiers: Orphanet 90635, MedGen C1832475, MONDO:0011032, OMIM 601317.
Autosomal recessive nonsyndromic hearing loss 2. Also called: DEAFNESS, AUTOSOMAL RECESSIVE 2; NEUROSENSORY NONSYNDROMIC RECESSIVE DEAFNESS 2. Identifiers: Orphanet 90636, MedGen C1838701, MONDO:0010807, OMIM 600060.
Usher syndrome type 1 (USH1). Also called: RETINITIS PIGMENTOSA AND CONGENITAL DEAFNESS. Identifiers: Orphanet 231169, Orphanet 886, MedGen C1568247, MONDO:0010168, OMIM 276900.

Submission:

Juno Genomics, Hangzhou Juno Genomics, Inc
Classification: Pathogenic for Autosomal dominant nonsyndromic hearing loss 11; Autosomal recessive nonsyndromic hearing loss 2; Usher syndrome type 1. Review status: criteria provided, single submitter. Criteria: ACMG Guidelines, 2015. Collection method: clinical testing. Allele origin: germline. Affected: yes.
Comment: Null variant in a gene where loss of function (LOF) is a known mechanism of disease.;Absent from controls (or at extremely low frequency if recessive) in Genome Aggregation Database, Exome Sequencing Project, 1000 Genomes Project, or Exome Aggregation Consortium.;For recessive disorders, detected in trans with a pathogenic variant.

NM_000260.4(MYO7A):c.4485G>A (p.Trp1495Ter)

Gene: MYO7A (myosin VIIA; plus strand). Cytogenetic location: 11q13.5.
Variant type: single nucleotide variant.
Coding change: c.4485G>A on transcript NM_000260.4 (MANE Select); coding-DNA position 4485, G replaced by A.
Protein change: p.Trp1495Ter; replaces tryptophan 1495 with a stop codon.
Molecular consequence: nonsense.
Genome position (GRCh38, 1-based): chr11:77,198,538, G>A. VCF-style: chr11-77198538-G-A. GRCh37 (hg19) VCF-style: chr11-76909583-G-A.
Other names: c.4452G>A, p.Trp1484Ter (NM_001369365.1); c.4485G>A, p.Trp1495Ter (NM_001127180.2); short protein forms W1484*, W1495*.
Identifiers: ClinVar variation 3382861 (VCV003382861.2).